The following is an entry in ClinVar:

NM_000257.4(MYH7):c.5158A>T (p.Asn1720Tyr)

Genes: MHRT (myosin heavy chain associated RNA transcript; plus strand), MYH7 (myosin heavy chain 7; minus strand), LOC126861897 (BRD4-independent group 4 enhancer GRCh37_chr14:23884455-23885654; plus strand). Cytogenetic location: 14q11.2.
Variant type: single nucleotide variant.
Coding change: c.5158A>T on transcript NM_000257.4 (MANE Select); coding-DNA position 5158, A replaced by T.
Protein change: p.Asn1720Tyr; replaces asparagine 1720 with tyrosine.
Molecular consequence: missense variant.
Genome position (GRCh38, 1-based): chr14:23,415,506, T>A on the plus strand (A>T on the coding strand, the complement: MYH7 is on the minus strand). VCF-style: chr14-23415506-T-A. GRCh37 (hg19) VCF-style: chr14-23884715-T-A.
Other names: c.5158A>T, p.Asn1720Tyr (NM_001407004.1); short protein forms N1720Y.
Identifiers: ClinVar variation 4722503 (VCV004722503.1).
Genomic context (GRCh38, chr14:23,415,506, plus strand): 5'-CAGTCTGGAGCTGGGACAGGTCAGCATCCATCTTCTTCTTCTGGTTGATGAGGCTGGTGT[T>A]CTGGGTTGGGGGAGGGTTGGGCAGAGCAGGAAAAGCATTGAGCATCTATGCATAGCTCTC-3'
Protein context (NP_000248.2, residues 1710-1730): SERVQLLHSQ[Asn1720Tyr]TSLINQKKKM

ClinVar aggregate classification (germline): Uncertain significance (1 of 4 stars; one submission).

Conditions:
Hypertrophic cardiomyopathy. Also called: HYPERTROPHIC MYOCARDIOPATHY. Identifiers: Orphanet 217569, MedGen C0007194, MeSH D002312, MONDO:0005045, HP:0001639.

Submission:

Labcorp Genetics (formerly Invitae), Labcorp
Classification: Uncertain significance for Hypertrophic cardiomyopathy. Last evaluated: 2025-09-10. Review status: criteria provided, single submitter. Criteria: Invitae Variant Classification Sherloc (09022015). Collection method: clinical testing. Allele origin: germline.
Comment: This sequence change replaces asparagine, which is neutral and polar, with tyrosine, which is neutral and polar, at codon 1720 of the MYH7 protein (p.Asn1720Tyr). This variant is not present in population databases (gnomAD no frequency). This variant has not been reported in the literature in individuals affected with MYH7-related conditions. An algorithm developed to predict the effect of missense changes on protein structure and function (PolyPhen-2) suggests that this variant is likely to be disruptive. In summary, the available evidence is currently insufficient to determine the role of this variant in disease. Therefore, it has been classified as a Variant of Uncertain Significance.